The following is an entry in ClinVar:

NM_001329943.3(KIAA0586):c.3884A>G (p.Gln1295Arg)

Gene: KIAA0586 (KIAA0586; plus strand). Cytogenetic location: 14q23.1.
Variant type: single nucleotide variant.
Coding change: c.3884A>G on transcript NM_001329943.3 (MANE Select); coding-DNA position 3884, A replaced by G.
Protein change: p.Gln1295Arg; replaces glutamine 1295 with arginine.
Molecular consequence: missense variant. On other transcripts: intron variant (1).
Genome position (GRCh38, 1-based): chr14:58,492,169, A>G. VCF-style: chr14-58492169-A-G. GRCh37 (hg19) VCF-style: chr14-58958887-A-G.
Other names: c.3656A>G (NM_014749.3); c.4043A>G, p.Gln1348Arg (NM_001244189.2); c.3839A>G, p.Gln1280Arg (NM_001244190.2); c.3629A>G, p.Gln1210Arg (NM_001244191.2, NM_001329945.2, NM_001364700.1 and 1 more transcripts); c.3752A>G, p.Gln1251Arg (NM_001244192.2); c.3464A>G, p.Gln1155Arg (NM_001244193.2); c.3884A>G, p.Gln1295Arg (NM_001329944.2, NM_001329946.2); c.3656A>G, p.Gln1219Arg (NM_014749.5); and 1 more; short protein forms Q1251R, Q1210R, Q1348R, Q1155R, Q1219R, Q1280R, Q1295R.
Identifiers: ClinVar variation 1361901 (VCV001361901.7), dbSNP rs1019828731, ClinGen allele CA261650007.

ClinVar aggregate classification (germline): Uncertain significance. Review status: criteria provided, multiple submitters, no conflicts (2 of 4 stars). 2 submissions from 2 submitters: Uncertain significance (2). Last evaluated 2024-11-24.

Conditions:
Inborn genetic diseases. Identifiers: MedGen C0950123, MeSH D030342.
Joubert syndrome 23 (JBTS23). Identifiers: Orphanet 475, MedGen C4084822, MONDO:0014664, OMIM 616490.
Short-rib thoracic dysplasia 14 with polydactyly (SRTD14). Identifiers: Orphanet 397715, MedGen C4225286, MONDO:0014688, OMIM 616546.

Allele frequency attached by ClinVar (database versions not stated): gnomAD exomes below 0.00001 and 0.00001.
gnomAD v4.1: 5 of 1,546,480 alleles (0.00032%); highest among the groups gnomAD compares: Middle Eastern, 0.033%; no homozygotes.

Submissions (2):

Ambry Genetics
Classification: Uncertain significance for Inborn genetic diseases. Last evaluated: 2024-11-24. Review status: criteria provided, single submitter. Criteria: Ambry Variant Classification Scheme 2023. Collection method: clinical testing. Allele origin: germline.

Labcorp Genetics (formerly Invitae), Labcorp
Classification: Uncertain significance for Joubert syndrome 23; Short-rib thoracic dysplasia 14 with polydactyly. Last evaluated: 2021-11-01. Review status: criteria provided, single submitter. Criteria: Invitae Variant Classification Sherloc (09022015). Collection method: clinical testing. Allele origin: germline.
Comment: This sequence change replaces glutamine, which is neutral and polar, with arginine, which is basic and polar, at codon 1348 of the KIAA0586 protein (p.Gln1348Arg). This variant is present in population databases (no rsID available, gnomAD 0.002%). This variant has not been reported in the literature in individuals affected with KIAA0586-related conditions. Algorithms developed to predict the effect of missense changes on protein structure and function are either unavailable or do not agree on the potential impact of this missense change (SIFT: "Deleterious"; PolyPhen-2: "Probably Damaging"; Align-GVGD: "Class C0"). In summary, the available evidence is currently insufficient to determine the role of this variant in disease. Therefore, it has been classified as a Variant of Uncertain Significance.